The following is an entry in ClinVar:

NM_003482.4(KMT2D):c.5060G>A (p.Arg1687His)

Gene: KMT2D (lysine methyltransferase 2D; minus strand). Cytogenetic location: 12q13.12.
Variant type: single nucleotide variant.
Coding change: c.5060G>A on transcript NM_003482.4 (MANE Select); coding-DNA position 5060, G replaced by A.
Protein change: p.Arg1687His; replaces arginine 1687 with histidine.
Molecular consequence: missense variant.
Genome position (GRCh38, 1-based): chr12:49,044,426, C>T on the plus strand (G>A on the coding strand, the complement: KMT2D is on the minus strand). VCF-style: chr12-49044426-C-T. GRCh37 (hg19) VCF-style: chr12-49438209-C-T.
Other names: short protein forms R1687H.
Identifiers: ClinVar variation 1333495 (VCV001333495.6), dbSNP rs1183756465, ClinGen allele CA384637737.

ClinVar aggregate classification (germline): Uncertain significance. Review status: criteria provided, multiple submitters, no conflicts (2 of 4 stars). 2 submissions from 2 submitters: Uncertain significance (2). Last evaluated 2022-08-22.

Conditions:
Kabuki syndrome. Also called: NIIKAWA-KUROKI SYNDROME; Kabuki make-up syndrome. Identifiers: Orphanet 2322, MedGen C0796004, MONDO:0016512.
Kabuki syndrome 1 (KABUK1). Also called: KMT2D-Related Kabuki Syndrome. Identifiers: Orphanet 2322, MedGen CN030661, MONDO:0007843, OMIM 147920.

gnomAD v4.1: 1 of 1,613,912 alleles (0.000062%); highest among the groups gnomAD compares: Non-Finnish European, 0.000085%; no homozygotes.

Submissions (2):

Labcorp Genetics (formerly Invitae), Labcorp
Classification: Uncertain significance for Kabuki syndrome. Last evaluated: 2022-08-22. Review status: criteria provided, single submitter. Criteria: Invitae Variant Classification Sherloc (09022015). Collection method: clinical testing. Allele origin: germline.
Comment: In summary, the available evidence is currently insufficient to determine the role of this variant in disease. Therefore, it has been classified as a Variant of Uncertain Significance. Algorithms developed to predict the effect of missense changes on protein structure and function are either unavailable or do not agree on the potential impact of this missense change (SIFT: "Deleterious"; PolyPhen-2: "Probably Damaging"; Align-GVGD: "Class C0"). This sequence change replaces arginine, which is basic and polar, with histidine, which is basic and polar, at codon 1687 of the KMT2D protein (p.Arg1687His). This variant is not present in population databases (gnomAD no frequency). This variant has not been reported in the literature in individuals affected with KMT2D-related conditions. ClinVar contains an entry for this variant (Variation ID: 1333495).

3billion
Classification: Uncertain significance for Kabuki syndrome 1. Last evaluated: 2022-01-03. Review status: criteria provided, single submitter. Criteria: ACMG Guidelines, 2015. Collection method: clinical testing. Allele origin: germline. Affected: yes. Observed: 1 heterozygote.
Comment: The variant is not observed in the gnomAD v2.1.1 dataset (PM2_M). Therefore, this variant is classified as uncertain significance according to the recommendation of ACMG/AMP guideline.